The following is an entry in ClinVar:

ClinVar aggregate classification (germline): Uncertain significance. Review status: criteria provided, multiple submitters, no conflicts (2 of 4 stars). 2 submissions from 2 submitters: Uncertain significance (2). Last evaluated 2024-03-15.

Conditions:
Hereditary cancer-predisposing syndrome. Also called: Tumor predisposition; Hereditary neoplastic syndrome; Neoplastic Syndromes, Hereditary; Hereditary Cancer Syndrome. Identifiers: Orphanet 140162, MedGen C0027672, MeSH D009386, MONDO:0015356.

Allele frequency attached by ClinVar (database versions not stated): gnomAD exomes below 0.00001.
gnomAD v4.1: 1 of 1,613,704 alleles (0.000062%); highest among the groups gnomAD compares: Non-Finnish European, 0.000085%; no homozygotes.

Submissions (2):

Ambry Genetics
Classification: Uncertain significance for Hereditary cancer-predisposing syndrome. Last evaluated: 2024-03-15. Review status: criteria provided, single submitter. Criteria: Ambry Variant Classification Scheme 2023. Collection method: clinical testing. Allele origin: germline.

Labcorp Genetics (formerly Invitae), Labcorp
Classification: Uncertain significance. Last evaluated: 2023-04-12. Review status: criteria provided, single submitter. Criteria: Invitae Variant Classification Sherloc (09022015). Collection method: clinical testing. Allele origin: germline.
Comment: This variant has not been reported in the literature in individuals affected with MSH3-related conditions. This sequence change replaces aspartic acid, which is acidic and polar, with asparagine, which is neutral and polar, at codon 1051 of the MSH3 protein (p.Asp1051Asn). This variant is not present in population databases (gnomAD no frequency). ClinVar contains an entry for this variant (Variation ID: 856982). An algorithm developed to predict the effect of missense changes on protein structure and function (PolyPhen-2) suggests that this variant is likely to be tolerated. In summary, the available evidence is currently insufficient to determine the role of this variant in disease. Therefore, it has been classified as a Variant of Uncertain Significance.

NM_002439.5(MSH3):c.3151G>A (p.Asp1051Asn)

Gene: MSH3 (mutS homolog 3; plus strand). Cytogenetic location: 5q14.1.
Variant type: single nucleotide variant.
Coding change: c.3151G>A on transcript NM_002439.5 (MANE Select); coding-DNA position 3151, G replaced by A.
Protein change: p.Asp1051Asn; replaces aspartic acid 1051 with asparagine.
Molecular consequence: missense variant.
Genome position (GRCh38, 1-based): chr5:80,873,136, G>A. VCF-style: chr5-80873136-G-A. GRCh37 (hg19) VCF-style: chr5-80168955-G-A.
Other names: c.3151G>A (NM_002439.3); short protein forms D1051N.
Identifiers: ClinVar variation 856982 (VCV000856982.9), dbSNP rs1746250231, ClinGen allele CA360346824.